The following is an entry in ClinVar:

NM_030962.4(SBF2):c.340_341dup (p.Val115fs)

Gene: SBF2 (SET binding factor 2; minus strand). Cytogenetic location: 11p15.4.
Variant type: Duplication.
Coding change: c.340_341dup on transcript NM_030962.4 (MANE Select); coding-DNA positions 340 to 341, 2 bases duplicated (GA; older notation c.340_341dupGA).
Protein change: p.Val115fs; shifts the reading frame from valine 115.
Molecular consequence: frameshift variant.
Genome position (GRCh38, 1-based): chr11:10,031,109-10,031,110, TC duplicated on the plus strand (GA on the coding strand, the reverse complement: SBF2 is on the minus strand); duplicating any 2 consecutive bases within chr11:10,031,109-10,031,111 gives the same sequence; the c. name uses the placement nearest the transcript's 3' end. VCF-style (leftmost placement, unchanged base first): chr11-10031108-T-TTC. GRCh37 (hg19) VCF-style: chr11-10052655-T-TTC.
Other names: c.340_341dup, p.Val115fs (NM_001386339.1, NM_001386342.1); c.376_377dup, p.Val127fs (NM_001424318.1, NM_001425069.1, NM_001425070.1); c.340_341dupGA (NM_030962.3); short protein forms V115fs, V127fs.
Identifiers: ClinVar variation 3896983 (VCV003896983.1).

ClinVar aggregate classification (germline): Likely pathogenic (1 of 4 stars; one submission).

Conditions:
Charcot-Marie-Tooth disease type 4B2. Also called: Charcot-Marie-Tooth Neuropathy Type 4B2; CMT 4B2; CHARCOT-MARIE-TOOTH DISEASE, DEMYELINATING, TYPE 4B2; CHARCOT-MARIE-TOOTH DISEASE, WITH FOCALLY FOLDED MYELIN SHEATHS, AUTOSOMAL RECESSIVE, TYPE 4B2. Identifiers: Orphanet 99956, MedGen C1858278, MONDO:0011475, OMIM 604563.

Submission:

Kariminejad - Najmabadi Pathology & Genetics Center
Classification: Likely pathogenic for Charcot-Marie-Tooth disease type 4B2. Last evaluated: 2020-12-13. Review status: criteria provided, single submitter. Criteria: ACMG Guidelines, 2015. Collection method: clinical testing. Allele origin: germline. Inheritance: Autosomal recessive inheritance. Affected: yes.
Comment: PVS1 PM2 PP3 PP4